The following is an entry in ClinVar:

ClinVar aggregate classification (germline): Likely benign (0 of 4 stars; one submission).

Conditions:
CACNA1F-related disorder. Also called: CACNA1F-related condition.

gnomAD v4.1: 4 of 1,211,507 alleles (0.00033%); highest among the groups gnomAD compares: Middle Eastern, 0.046%; no homozygotes.

Submission:

PreventionGenetics, part of Exact Sciences
Classification: Likely benign for CACNA1F-related condition. Last evaluated: 2019-04-01. Review status: no assertion criteria provided. Collection method: clinical testing. Allele origin: germline.
Comment: This variant is classified as likely benign based on ACMG/AMP sequence variant interpretation guidelines (Richards et al. 2015 PMID: 25741868, with internal and published modifications).

NM_001256789.3(CACNA1F):c.2086-7C>T

Gene: CACNA1F (calcium voltage-gated channel subunit alpha1 F; minus strand). Cytogenetic location: Xp11.23.
Variant type: single nucleotide variant.
Coding change: c.2086-7C>T on transcript NM_001256789.3 (MANE Select); 7 bases into the intron before coding-DNA position 2086, C replaced by T.
Molecular consequence: intron variant.
Genome position (GRCh38, 1-based): chrX:49,222,845, G>A on the plus strand (C>T on the coding strand, the complement: CACNA1F is on the minus strand). VCF-style: chrX-49222845-G-A. GRCh37 (hg19) VCF-style: chrX-49079304-G-A.
Other names: c.2119-7C>T (NM_005183.4); c.1924-7C>T (NM_001256790.3).
Identifiers: ClinVar variation 3353008 (VCV003353008.1).
Genomic context (GRCh38, chrX:49,222,845, plus strand): 5'-ATATGCCATGATACCATCATACATGACCACGTTCCAGTCCTCACCTGTCAGGATCTGGGG[G>A]TGGGAAGTCACTGTGGAGCTCTTGGACCCCCTCCAACTCCAGGGTCTCCCCGACCCACCC-3'